The following is an entry in ClinVar:

ClinVar aggregate classification (germline): Uncertain significance. Review status: criteria provided, multiple submitters, no conflicts (2 of 4 stars). 3 submissions from 3 submitters: Uncertain significance (2). 1 of the submissions does not count toward it. Last evaluated 2025-05-14.

Conditions:
FAT2-related disorder. Also called: FAT2-related condition.

Allele frequency attached by ClinVar (database versions not stated): gnomAD exomes 0.00002; ExAC 0.00012; 1000 Genomes Project 30x 0.00016; 1000 Genomes Project 0.00020; gnomAD 0.00023; TOPMed 0.00023; ESP Exome Variant Server 0.00062.
gnomAD v4.1: 70 of 1,614,220 alleles (0.0043%); highest among the groups gnomAD compares: African/African-American, 0.083%; no homozygotes.

Submissions (3):

Ambry Genetics
Classification: Uncertain significance. Last evaluated: 2025-05-14. Review status: criteria provided, single submitter. Criteria: Ambry Variant Classification Scheme 2023. Collection method: clinical testing. Allele origin: germline.

Labcorp Genetics (formerly Invitae), Labcorp
Classification: Uncertain significance. Last evaluated: 2023-08-29. Review status: criteria provided, single submitter. Criteria: Invitae Variant Classification Sherloc (09022015). Collection method: clinical testing. Allele origin: germline.
Comment: This sequence change replaces isoleucine, which is neutral and non-polar, with threonine, which is neutral and polar, at codon 2516 of the FAT2 protein (p.Ile2516Thr). This variant is present in population databases (rs149915994, gnomAD 0.1%), and has an allele count higher than expected for a pathogenic variant. This variant has not been reported in the literature in individuals affected with FAT2-related conditions. An algorithm developed to predict the effect of missense changes on protein structure and function (PolyPhen-2) suggests that this variant is likely to be tolerated. In summary, the available evidence is currently insufficient to determine the role of this variant in disease. Therefore, it has been classified as a Variant of Uncertain Significance.

PreventionGenetics, part of Exact Sciences
Classification: Likely benign for FAT2-related condition. Last evaluated: 2022-02-24. Review status: no assertion criteria provided. Collection method: clinical testing. Allele origin: germline. Not counted in ClinVar's aggregate classification.
Comment: This variant is classified as likely benign based on ACMG/AMP sequence variant interpretation guidelines (Richards et al. 2015 PMID: 25741868, with internal and published modifications).

NM_001447.3(FAT2):c.7547T>C (p.Ile2516Thr)

Genes: FAT2 (FAT atypical cadherin 2; minus strand), SLC36A1 (solute carrier family 36 member 1; plus strand). Cytogenetic location: 5q33.1.
Variant type: single nucleotide variant.
Coding change: c.7547T>C on transcript NM_001447.3 (MANE Select); coding-DNA position 7547, T replaced by C.
Protein change: p.Ile2516Thr; replaces isoleucine 2516 with threonine.
Molecular consequence: missense variant.
Genome position (GRCh38, 1-based): chr5:151,543,580, A>G on the plus strand (T>C on the coding strand, the complement: FAT2 is on the minus strand). VCF-style: chr5-151543580-A-G. GRCh37 (hg19) VCF-style: chr5-150923141-A-G.
Other names: c.7547T>C (NM_001447.2); short protein forms I2516T.
Identifiers: ClinVar variation 2890067 (VCV002890067.6), dbSNP rs149915994, ClinGen allele CA3520940.
Genomic context (GRCh38, chr5:151,543,580, plus strand): 5'-TGGCCATTGGGGTTTATGGAGAACTTCTCACTTGCTAGTTTATTGATGATAGTATAATCT[A>G]TAGTGCCATAGGGACCACTATCTTTGTCTATGGCTAGCAAATCAATCACCTTGGTTCCAA-3'
Protein context (NP_001438.1, residues 2506-2526): IDKDSGPYGT[Ile2516Thr]DYTIINKLAS